The following is an entry in ClinVar:

ClinVar aggregate classification (germline): Uncertain significance (1 of 4 stars; one submission).

Allele frequency attached by ClinVar (database versions not stated): gnomAD 0.00001; TOPMed 0.00001; gnomAD exomes 0.00002.
gnomAD v4.1: 24 of 1,559,624 alleles (0.0015%); highest among the groups gnomAD compares: Non-Finnish European, 0.0021%; no homozygotes.

Submission:

Labcorp Genetics (formerly Invitae), Labcorp
Classification: Uncertain significance. Last evaluated: 2022-03-18. Review status: criteria provided, single submitter. Criteria: Invitae Variant Classification Sherloc (09022015). Collection method: clinical testing. Allele origin: germline.
Comment: This sequence change replaces serine, which is neutral and polar, with glycine, which is neutral and non-polar, at codon 172 of the PUS1 protein (p.Ser172Gly). This variant is present in population databases (no rsID available, gnomAD 0.003%). This variant has not been reported in the literature in individuals affected with PUS1-related conditions. Algorithms developed to predict the effect of missense changes on protein structure and function (SIFT, PolyPhen-2, Align-GVGD) all suggest that this variant is likely to be tolerated. In summary, the available evidence is currently insufficient to determine the role of this variant in disease. Therefore, it has been classified as a Variant of Uncertain Significance.

NM_025215.6(PUS1):c.514A>G (p.Ser172Gly)

Gene: PUS1 (pseudouridine synthase 1; plus strand). Cytogenetic location: 12q24.33.
Variant type: single nucleotide variant.
Coding change: c.514A>G on transcript NM_025215.6 (MANE Select); coding-DNA position 514, A replaced by G.
Protein change: p.Ser172Gly; replaces serine 172 with glycine.
Molecular consequence: missense variant.
Genome position (GRCh38, 1-based): chr12:131,939,245, A>G. VCF-style: chr12-131939245-A-G. GRCh37 (hg19) VCF-style: chr12-132423790-A-G.
Other names: c.430A>G, p.Ser144Gly (NM_001002019.3, NM_001002020.3); short protein forms S172G, S144G.
Identifiers: ClinVar variation 2171391 (VCV002171391.1), dbSNP rs1161096087, ClinGen allele CA387298590.
Genomic context (GRCh38, chr12:131,939,245, plus strand): 5'-GCCGGCCAGGTGGTATCCCTGAAGGTGTGGCTGATTGACGACATTCTAGAAAAGATCAAC[A>G]GCCACCTTCCCTCTCACATTCGGATTCTGGGTAAGCCTTGCAGTGCAGGCGGCCACACAC-3'
Protein context (NP_079491.2, residues 162-182): LIDDILEKIN[Ser172Gly]HLPSHIRILG